The following is an entry in ClinVar:

ClinVar aggregate classification (germline): Likely benign. Review status: criteria provided, multiple submitters, no conflicts (2 of 4 stars). 2 submissions from 2 submitters: Likely benign (2). Last evaluated 2025-10-31.

Conditions:
RAI1-related disorder. Also called: RAI1-related condition.

Allele frequency attached by ClinVar (database versions not stated): gnomAD exomes below 0.00001.
gnomAD v4.1: 1 of 1,613,270 alleles (0.000062%); highest among the groups gnomAD compares: Admixed American, 0.0017%; no homozygotes.

Submissions (2):

PreventionGenetics, part of Exact Sciences
Classification: Likely benign for RAI1-related condition. Last evaluated: 2025-10-31. Review status: criteria provided, single submitter. Criteria: ACMG Guidelines, 2015. Collection method: clinical testing. Allele origin: germline.
Comment: This variant is classified as likely benign based on ACMG/AMP sequence variant interpretation guidelines (Richards et al. 2015 PMID: 25741868, with internal and published modifications).

Labcorp Genetics (formerly Invitae), Labcorp
Classification: Likely benign. Last evaluated: 2024-06-17. Review status: criteria provided, single submitter. Criteria: Invitae Variant Classification Sherloc (09022015). Collection method: clinical testing. Allele origin: germline.

NM_030665.4(RAI1):c.705C>T (p.Ser235=)

Gene: RAI1 (retinoic acid induced 1; plus strand). Cytogenetic location: 17p11.2.
Variant type: single nucleotide variant.
Coding change: c.705C>T on transcript NM_030665.4 (MANE Select); coding-DNA position 705, C replaced by T.
Protein change: p.Ser235=; no amino-acid change (serine 235 retained).
Molecular consequence: synonymous variant.
Genome position (GRCh38, 1-based): chr17:17,793,653, C>T. VCF-style: chr17-17793653-C-T. GRCh37 (hg19) VCF-style: chr17-17696967-C-T.
Other names: c.705C>T (NM_030665.3).
Identifiers: ClinVar variation 2958395 (VCV002958395.4), dbSNP rs2508570632, ClinGen allele CA498422647.